The following is an entry in ClinVar:

NM_003072.5(SMARCA4):c.2027C>T (p.Ala676Val)

Gene: SMARCA4 (SWI/SNF related BAF chromatin remodeling complex subunit ATPase 4; plus strand). Cytogenetic location: 19p13.2.
Variant type: single nucleotide variant.
Coding change: c.2027C>T on transcript NM_003072.5 (MANE Select); coding-DNA position 2027, C replaced by T.
Protein change: p.Ala676Val; replaces alanine 676 with valine.
Molecular consequence: missense variant. On other transcripts: non-coding transcript variant (1).
Genome position (GRCh38, 1-based): chr19:11,007,927, C>T. VCF-style: chr19-11007927-C-T. GRCh37 (hg19) VCF-style: chr19-11118603-C-T.
Other names: c.2027C>T, p.Ala676Val (NM_001128844.3, NM_001128845.2, NM_001128846.2 and 6 more transcripts); short protein forms A676V.
Identifiers: ClinVar variation 2107212 (VCV002107212.4), dbSNP rs2146190719, ClinGen allele CA404052422.

ClinVar aggregate classification (germline): Uncertain significance (1 of 4 stars; one submission).

Conditions:
Rhabdoid tumor predisposition syndrome 2 (RTPS2). Identifiers: Orphanet 231108, Orphanet 69077, MedGen C2750074, MONDO:0013224, OMIM 613325.

Allele frequency attached by ClinVar (database versions not stated): gnomAD exomes below 0.00001.
gnomAD v4.1: 1 of 1,613,668 alleles (0.000062%); highest among the groups gnomAD compares: Non-Finnish European, 0.000085%; no homozygotes.

Submission:

Labcorp Genetics (formerly Invitae), Labcorp
Classification: Uncertain significance for Rhabdoid tumor predisposition syndrome 2. Last evaluated: 2022-07-26. Review status: criteria provided, single submitter. Criteria: Invitae Variant Classification Sherloc (09022015). Collection method: clinical testing. Allele origin: germline.
Comment: This sequence change replaces alanine, which is neutral and non-polar, with valine, which is neutral and non-polar, at codon 676 of the SMARCA4 protein (p.Ala676Val). This variant is not present in population databases (gnomAD no frequency). This variant has not been reported in the literature in individuals affected with SMARCA4-related conditions. Algorithms developed to predict the effect of missense changes on protein structure and function are either unavailable or do not agree on the potential impact of this missense change (SIFT: "Deleterious"; PolyPhen-2: "Benign"; Align-GVGD: "Class C25"). In summary, the available evidence is currently insufficient to determine the role of this variant in disease. Therefore, it has been classified as a Variant of Uncertain Significance.